The following is an entry in ClinVar:

NM_002335.4(LRP5):c.3853G>A (p.Glu1285Lys)

Gene: LRP5 (LDL receptor related protein 5; plus strand). Cytogenetic location: 11q13.2.
Variant type: single nucleotide variant.
Coding change: c.3853G>A on transcript NM_002335.4 (MANE Select); coding-DNA position 3853, G replaced by A.
Protein change: p.Glu1285Lys; replaces glutamic acid 1285 with lysine.
Molecular consequence: missense variant.
Genome position (GRCh38, 1-based): chr11:68,433,691, G>A. VCF-style: chr11-68433691-G-A. GRCh37 (hg19) VCF-style: chr11-68201159-G-A.
Other names: c.2110G>A, p.Glu704Lys (NM_001291902.2); c.3853G>A (NM_002335.2); short protein forms E1285K, E704K.
Identifiers: ClinVar variation 3003366 (VCV003003366.4), dbSNP rs749297859, ClinGen allele CA6150132.

ClinVar aggregate classification (germline): Uncertain significance. Review status: criteria provided, multiple submitters, no conflicts (2 of 4 stars). 2 submissions from 2 submitters: Uncertain significance (2). Last evaluated 2025-08-26.

Conditions:
Inborn genetic diseases. Identifiers: MedGen C0950123, MeSH D030342.

Allele frequency attached by ClinVar (database versions not stated): ExAC 0.00002; gnomAD exomes 0.00001; TOPMed 0.00001.
gnomAD v4.1: 8 of 1,613,242 alleles (0.0005%); highest among the groups gnomAD compares: Admixed American, 0.0017%; no homozygotes.

Submissions (2):

Labcorp Genetics (formerly Invitae), Labcorp
Classification: Uncertain significance. Last evaluated: 2025-08-26. Review status: criteria provided, single submitter. Criteria: Invitae Variant Classification Sherloc (09022015). Collection method: clinical testing. Allele origin: germline.
Comment: This sequence change replaces glutamic acid, which is acidic and polar, with lysine, which is basic and polar, at codon 1285 of the LRP5 protein (p.Glu1285Lys). This variant is present in population databases (rs749297859, gnomAD 0.005%). This variant has not been reported in the literature in individuals affected with LRP5-related conditions. ClinVar contains an entry for this variant (Variation ID: 3003366). Invitae Evidence Modeling of protein sequence and biophysical properties (such as structural, functional, and spatial information, amino acid conservation, physicochemical variation, residue mobility, and thermodynamic stability) has been performed for this missense variant. However, the output from this modeling did not meet the statistical confidence thresholds required to predict the impact of this variant on LRP5 protein function. In summary, the available evidence is currently insufficient to determine the role of this variant in disease. Therefore, it has been classified as a Variant of Uncertain Significance.

Ambry Genetics
Classification: Uncertain significance for Inborn genetic diseases. Last evaluated: 2025-07-15. Review status: criteria provided, single submitter. Criteria: Ambry Variant Classification Scheme 2023. Collection method: clinical testing. Allele origin: germline.